The following is an entry in ClinVar:

NM_019066.5(MAGEL2):c.286G>C (p.Gly96Arg)

Gene: MAGEL2 (MAGE family member L2; minus strand). Cytogenetic location: 15q11.2.
Variant type: single nucleotide variant.
Coding change: c.286G>C on transcript NM_019066.5 (MANE Select); coding-DNA position 286, G replaced by C.
Protein change: p.Gly96Arg; replaces glycine 96 with arginine.
Molecular consequence: missense variant.
Genome position (GRCh38, 1-based): chr15:23,647,457, C>G on the plus strand (G>C on the coding strand, the complement: MAGEL2 is on the minus strand). VCF-style: chr15-23647457-C-G. GRCh37 (hg19) VCF-style: chr15-23892604-C-G.
Other names: short protein forms G96R.
Identifiers: ClinVar variation 4989884 (VCV004989884.1).

ClinVar aggregate classification (germline): Uncertain significance (1 of 4 stars; one submission).

Conditions:
MAGEL2-related disorder. Also called: MAGEL2-related condition.

gnomAD v4.1: 6 of 1,534,642 alleles (0.00039%); highest among the groups gnomAD compares: Middle Eastern, 0.033%; 1 homozygote.

Submission:

PreventionGenetics, part of Exact Sciences
Classification: Uncertain significance for MAGEL2-related condition. Last evaluated: 2024-12-11. Review status: criteria provided, single submitter. Criteria: ACMG Guidelines, 2015. Collection method: clinical testing. Allele origin: germline.
Comment: The MAGEL2 c.286G>C variant is predicted to result in the amino acid substitution p.Gly96Arg. To our knowledge, this variant has not been reported in the literature. This variant is reported in 0.0028% of alleles in individuals of European (Non-Finnish) descent in gnomAD. At this time, the clinical significance of this variant is uncertain due to the absence of conclusive functional and genetic evidence.